The following is an entry in ClinVar:

ClinVar aggregate classification (germline): Likely pathogenic (0 of 4 stars; one submission).

Conditions:
NEK1-related disorder. Also called: NEK1-related condition.

Submission:

PreventionGenetics, part of Exact Sciences
Classification: Likely pathogenic for NEK1-related condition. Last evaluated: 2024-05-23. Review status: no assertion criteria provided. Collection method: clinical testing. Allele origin: germline.
Comment: The NEK1 c.1637delA variant is predicted to result in a frameshift and premature protein termination (p.Gln546Argfs*16). To our knowledge, this variant has not been reported in the literature or in a large population database, indicating this variant is rare. Frameshift variants in NEK1 are expected to be pathogenic although they can exhibit incomplete penetrance. This variant is interpreted as likely pathogenic.

NM_001199397.3(NEK1):c.1637del (p.Gln546fs)

Gene: NEK1 (NIMA related kinase 1; minus strand). Cytogenetic location: 4q33.
Variant type: Deletion.
Coding change: c.1637del on transcript NM_001199397.3 (MANE Select); coding-DNA position 1637, one base deleted (A; older notation c.1637delA).
Protein change: p.Gln546fs; shifts the reading frame from glutamine 546.
Molecular consequence: frameshift variant. On other transcripts: non-coding transcript variant (1).
Genome position (GRCh38, 1-based): chr4:169,537,837, T deleted on the plus strand (A on the coding strand, the reverse complement: NEK1 is on the minus strand). VCF-style (leftmost placement, unchanged base first): chr4-169537836-CT-C. GRCh37 (hg19) VCF-style: chr4-170458987-CT-C.
Other names: c.1505del, p.Gln502fs (NM_001199398.3, NM_001199400.3); c.1430del, p.Gln477fs (NM_001199399.3); c.1637del, p.Gln546fs (NM_001374418.1, NM_001374419.1, NM_012224.4); c.1586del, p.Gln529fs (NM_001374420.1); c.1511del, p.Gln504fs (NM_001374421.1); short protein forms Q477fs, Q502fs, Q504fs, Q529fs, Q546fs.
Identifiers: ClinVar variation 3345613 (VCV003345613.1).